The following continues an entry in ClinVar:

NM_000059.4(BRCA2):c.4631dup (p.Asn1544fs)

Gene: BRCA2. ClinVar aggregate classification (germline): Pathogenic. Pathogenic (1).

Submissions 10 to 17 of 17:

Women's Health and Genetics/Laboratory Corporation of America, LabCorp
Classification: Pathogenic for Hereditary breast and ovarian cancer syndrome. Last evaluated: 2018-02-19. Review status: criteria provided, single submitter. Criteria: LabCorp Variant Classification Summary - May 2015. Collection method: clinical testing. Allele origin: germline. Not counted in ClinVar's aggregate classification.
Comment: Variant summary: BRCA2 c.4631dupA (p.Asn1544LysfsX4) results in a premature termination codon, predicted to cause a truncation of the encoded protein or absence of the protein due to nonsense mediated decay, which are commonly known mechanisms for disease. The variant was absent in 245418 control chromosomes (gnomAD). The c.4631dupA variant has been reported in the literature in multiple individuals affected with Hereditary Breast and Ovarian Cancer. These data indicate that the variant is very likely to be associated with disease. To our knowledge, no experimental evidence demonstrating an impact on protein function has been reported. Multiple ClinVar submissions from clinical diagnostic laboratories (evaluation after 2014) classify the variant as "pathogenic," in addition, multiple reliable databases also classify the variant as "pathogenic." Based on the evidence outlined above, the variant was classified as pathogenic.

CHEO Genetics Diagnostic Laboratory, Children's Hospital of Eastern Ontario
Classification: Pathogenic for Breast and/or ovarian cancer. Last evaluated: 2017-04-23. Review status: criteria provided, single submitter. Criteria: ACMG Guidelines, 2015. Collection method: clinical testing. Allele origin: germline. Study: Canadian Open Genetics Repository. Not counted in ClinVar's aggregate classification.

Consortium of Investigators of Modifiers of BRCA1/2 (CIMBA), c/o University of Cambridge
Classification: Pathogenic for Breast-ovarian cancer, familial, susceptibility to, 2. Last evaluated: 2015-10-02. Review status: criteria provided, single submitter. Criteria: CIMBA Mutation Classification guidelines May 2016. Collection method: clinical testing. Allele origin: germline. Not counted in ClinVar's aggregate classification.

BRCAlab, Lund University
Classification: Pathogenic for Breast-ovarian cancer, familial, susceptibility to, 2. Last evaluated: 2022-08-26. Review status: no assertion criteria provided. Collection method: clinical testing. Allele origin: germline. Affected: yes. Not counted in ClinVar's aggregate classification.

Molecular Oncology, Hospital Universitario Central de Asturias (HUCA)
Classification: Pathogenic for Breast-ovarian cancer, familial, susceptibility to, 2. Last evaluated: 2021-05-24. Review status: no assertion criteria provided. Collection method: case-control. Allele origin: germline. Affected: yes. Not counted in ClinVar's aggregate classification.

Research Molecular Genetics Laboratory, Women's College Hospital, University of Toronto
Classification: Pathogenic for Hereditary breast ovarian cancer syndrome. Last evaluated: 2014-01-31. Review status: no assertion criteria provided. Collection method: research. Allele origin: germline. Affected: yes. Study: The Canadian Open Genetics Repository (COGR). Not counted in ClinVar's aggregate classification.

Sharing Clinical Reports Project (SCRP)
Classification: Pathogenic for Breast-ovarian cancer, familial 2. Last evaluated: 2007-08-15. Review status: no assertion criteria provided. Collection method: clinical testing. Allele origin: germline. Not counted in ClinVar's aggregate classification.

Breast Cancer Information Core (BIC) (BRCA2)
Classification: Pathogenic for Breast-ovarian cancer, familial 2. Last evaluated: 2003-12-23. Review status: no assertion criteria provided. Collection method: clinical testing. Allele origin: germline. Affected: yes. Observed: 2 variant alleles. Not counted in ClinVar's aggregate classification.

Literature cited by the submitters: PubMed 20104584 (cited by Labcorp Genetics (formerly Invitae), Labcorp); PubMed 17688236 (cited by 6 submitters); PubMed 23683081 (cited by 5 submitters); PubMed 24728189 (cited by 5 submitters); PubMed 25980754 (cited by 4 submitters); PubMed 22711857 (cited by Color Diagnostics, LLC DBA Color Health and All of Us Research Program, National Institutes of Health); PubMed 28525389 (cited by 3 submitters); PubMed 29446198 (cited by Color Diagnostics, LLC DBA Color Health and All of Us Research Program, National Institutes of Health); PubMed 32719484 (cited by Ambry Genetics); PubMed 26295337 (cited by Quest Diagnostics Nichols Institute San Juan Capistrano); PubMed 28281021 (cited by Women's Health and Genetics/Laboratory Corporation of America, LabCorp); PubMed 19329713 (cited by Women's Health and Genetics/Laboratory Corporation of America, LabCorp); PubMed 38922859 (cited by Molecular Oncology, Hospital Universitario Central de Asturias (HUCA)).